The following is an entry in ClinVar:

Single allele

Genes: EHMT1 (euchromatic histone lysine methyltransferase 1; plus strand), LOC130003148 (ATAC-STARR-seq lymphoblastoid active region 29369; plus strand), LOC130003147 (ATAC-STARR-seq lymphoblastoid active region 29368; plus strand), LOC651337 (uncharacterized LOC651337; minus strand), LOC126860799 (CDK7 strongly-dependent group 2 enhancer GRCh37_chr9:140657628-140658827; plus strand). Cytogenetic location: 9q34.3.
Variant type: Duplication.
Identifiers: ClinVar variation 4819205 (VCV004819205.1).

ClinVar aggregate classification (germline): Pathogenic (1 of 4 stars; one submission).

Conditions:
Kleefstra syndrome 1 (KLEFS1). Identifiers: Orphanet 261494, MedGen C0795833, MONDO:0027407, OMIM 610253.

Submission:

Broad Center for Mendelian Genomics, Broad Institute of MIT and Harvard
Classification: Pathogenic for Kleefstra syndrome 1. Last evaluated: 2023-05-01. Review status: criteria provided, single submitter. Criteria: ACMG/ClinGen CNV Guidelines, 2019. Collection method: research. Allele origin: germline. Inheritance: Autosomal dominant inheritance. Affected: yes.
Comment: These breakpoints have been called by exome sequencing only and therefore may not reflect the true breakpoints. The patient phenotype is nonspecific, but is consistent with cases described in the literature and/or published databases with overlapping variants. A duplication with similar genetic overlap has been reported in ClinVar (Variation ID: 583653) and has been interpreted as likely pathogenic by Invitae. This intragenic duplication is assumed in tandem and is predicted to cause a frameshift, which alters the protein’s amino acid sequence and leads to a premature termination codon downstream. This alteration is then predicted to lead to a truncated or absent protein. Loss of function of EHMT1 is an established disease mechanism in Kleefstra syndrome. Data from large population studies are insufficient to assess the frequency of this variant. In summary, this variant meets criteria to be classified as pathogenic for autosomal dominant chromosome Kleefstra syndrome. The ACMG/ClinGen evidence codes and points used in this curation are as follows: 1: 0 points, 2: 0.90 points, 3: 0 points, 4-5: 0.1 points; Total: 1 points; Riggs 2020 (PMID: 31690835).